The following is an entry in ClinVar:

NM_018180.3(DHX32):c.967G>A (p.Asp323Asn)

Gene: DHX32 (DEAH-box helicase 32 (putative); minus strand). Cytogenetic location: 10q26.2.
Variant type: single nucleotide variant.
Coding change: c.967G>A on transcript NM_018180.3 (MANE Select); coding-DNA position 967, G replaced by A.
Protein change: p.Asp323Asn; replaces aspartic acid 323 with asparagine.
Molecular consequence: missense variant.
Genome position (GRCh38, 1-based): chr10:125,854,086, C>T on the plus strand (G>A on the coding strand, the complement: DHX32 is on the minus strand). VCF-style: chr10-125854086-C-T. GRCh37 (hg19) VCF-style: chr10-127542655-C-T.
Other names: c.967G>A (NM_018180.2); short protein forms D323N.
Identifiers: ClinVar variation 1410115 (VCV001410115.7), dbSNP rs759888460, ClinGen allele CA5739343.
Genomic context (GRCh38, chr10:125,854,086, plus strand): 5'-CAGAGCTAGTAGTTAACACCACTCTTCTTTGATAAACTTGGCATCTTTTTTCTGTTTCAT[C>T]GAGTGGCTTGAACAATGAACATTTCTCTTTTGGATACAAAGGAACAACCACCAGTTCTCC-3'
Protein context (NP_060650.2, residues 313-333): KEKCSLFKPL[Asp323Asn]ETEKRCQVYQ

ClinVar aggregate classification (germline): Uncertain significance. Review status: criteria provided, multiple submitters, no conflicts (2 of 4 stars). 2 submissions from 2 submitters: Uncertain significance (2). Last evaluated 2025-01-23.

Allele frequency attached by ClinVar (database versions not stated): ExAC 0.00003; gnomAD exomes 0.00003 and 0.00005; gnomAD 0.00007 and 0.00008; TOPMed 0.00010.
gnomAD v4.1: 88 of 1,613,848 alleles (0.0055%); highest among the groups gnomAD compares: African/African-American, 0.0093%; no homozygotes.

Submissions (2):

Labcorp Genetics (formerly Invitae), Labcorp
Classification: Uncertain significance. Last evaluated: 2025-01-23. Review status: criteria provided, single submitter. Criteria: Invitae Variant Classification Sherloc (09022015). Collection method: clinical testing. Allele origin: germline.
Comment: This sequence change replaces aspartic acid, which is acidic and polar, with asparagine, which is neutral and polar, at codon 323 of the DHX32 protein (p.Asp323Asn). This variant is present in population databases (rs759888460, gnomAD 0.02%). This variant has not been reported in the literature in individuals affected with DHX32-related conditions. ClinVar contains an entry for this variant (Variation ID: 1410115). An algorithm developed to predict the effect of missense changes on protein structure and function (PolyPhen-2) suggests that this variant is likely to be tolerated. In summary, the available evidence is currently insufficient to determine the role of this variant in disease. Therefore, it has been classified as a Variant of Uncertain Significance.

Ambry Genetics
Classification: Uncertain significance. Last evaluated: 2023-07-30. Review status: criteria provided, single submitter. Criteria: Ambry Variant Classification Scheme 2023. Collection method: clinical testing. Allele origin: germline.